The following is an entry in ClinVar:

NM_001009944.3(PKD1):c.1331dup (p.Ala445fs)

Gene: PKD1 (polycystin 1, transient receptor potential channel interacting; minus strand). Cytogenetic location: 16p13.3.
Variant type: Duplication.
Coding change: c.1331dup on transcript NM_001009944.3 (MANE Select); coding-DNA position 1331, one base duplicated (T; older notation c.1331dupT).
Protein change: p.Ala445fs; shifts the reading frame from alanine 445.
Molecular consequence: frameshift variant.
Genome position (GRCh38, 1-based): chr16:2,117,543, A duplicated on the plus strand (T on the coding strand, the reverse complement: PKD1 is on the minus strand). VCF-style (leftmost placement, unchanged base first): chr16-2117542-C-CA. GRCh37 (hg19) VCF-style: chr16-2167543-C-CA.
Other names: c.1331dupT (NM_001009944.2); c.1331dup, p.Ala445fs (NM_000296.4); short protein forms A445fs.
Identifiers: ClinVar variation 4979956 (VCV004979956.1).

ClinVar aggregate classification (germline): Pathogenic (1 of 4 stars; one submission).

Conditions:
PKD1-related disorder. Also called: PKD1-related condition.

Submission:

PreventionGenetics, part of Exact Sciences
Classification: Pathogenic for PKD1-related condition. Last evaluated: 2025-01-10. Review status: criteria provided, single submitter. Criteria: ACMG Guidelines, 2015. Collection method: clinical testing. Allele origin: germline.
Comment: The PKD1 c.1331dupT variant is predicted to result in a frameshift and premature protein termination (p.Ala445Glyfs*74). To our knowledge, this variant has not been reported in the literature or in a large population database (gnomAD), indicating this variant is rare. Frameshift variants in PKD1 are expected to be pathogenic. This variant is interpreted as pathogenic.